The following is an entry in ClinVar:

ClinVar aggregate classification (germline): Uncertain significance (1 of 4 stars; one submission).

Conditions:
Charcot-Marie-Tooth disease type 2. Also called: Charcot-Marie-Tooth type 2. Identifiers: Orphanet 64746, MedGen C0270914, MONDO:0018993.

Allele frequency attached by ClinVar (database versions not stated): 1000 Genomes Project 30x 0.00016; 1000 Genomes Project 0.00020.
gnomAD v4.1: 40 of 1,614,134 alleles (0.0025%); highest among the groups gnomAD compares: South Asian, 0.044%; no homozygotes.

Submission:

Labcorp Genetics (formerly Invitae), Labcorp
Classification: Uncertain significance for Charcot-Marie-Tooth disease type 2. Last evaluated: 2022-11-22. Review status: criteria provided, single submitter. Criteria: Invitae Variant Classification Sherloc (09022015). Collection method: clinical testing. Allele origin: germline.
Comment: This sequence change replaces glycine, which is neutral and non-polar, with arginine, which is basic and polar, at codon 548 of the MFN2 protein (p.Gly548Arg). This variant is present in population databases (rs373368672, gnomAD 0.03%). This variant has not been reported in the literature in individuals affected with MFN2-related conditions. Advanced modeling of protein sequence and biophysical properties (such as structural, functional, and spatial information, amino acid conservation, physicochemical variation, residue mobility, and thermodynamic stability) performed at Invitae indicates that this missense variant is expected to disrupt MFN2 protein function. In summary, the available evidence is currently insufficient to determine the role of this variant in disease. Therefore, it has been classified as a Variant of Uncertain Significance.

NM_014874.4(MFN2):c.1642G>C (p.Gly548Arg)

Genes: MFN2 (mitofusin 2; plus strand), LOC129929426 (ATAC-STARR-seq lymphoblastoid active region 185; plus strand). Cytogenetic location: 1p36.22.
Variant type: single nucleotide variant.
Coding change: c.1642G>C on transcript NM_014874.4 (MANE Select); coding-DNA position 1642, G replaced by C.
Protein change: p.Gly548Arg; replaces glycine 548 with arginine.
Molecular consequence: missense variant.
Genome position (GRCh38, 1-based): chr1:12,005,857, G>C. VCF-style: chr1-12005857-G-C. GRCh37 (hg19) VCF-style: chr1-12065914-G-C.
Other names: c.1642G>C, p.Gly548Arg (NM_001127660.2); short protein forms G548R.
Identifiers: ClinVar variation 1925268 (VCV001925268.5), dbSNP rs373368672, ClinGen allele CA599166.